The following is an entry in ClinVar:

ClinVar aggregate classification (germline): Conflicting classifications of pathogenicity. Review status: criteria provided, conflicting classifications (1 of 4 stars). 3 submissions from 3 submitters: Likely pathogenic (2); Uncertain significance (1). Last evaluated 2024-03-29.

Conditions:
Hereditary breast ovarian cancer syndrome. Also called: Hereditary breast and ovarian cancer; Hereditary breast and ovarian cancer syndrome (HBOC); Breast and ovarian cancer; Hereditary breast and/or ovarian cancer syndrome; BRCA1- and BRCA2-Associated Hereditary Breast and Ovarian Cancer; Hereditary breast and ovarian cancer syndrome. Identifiers: Orphanet 145, MedGen C0677776, MeSH D061325, MONDO:0003582. Disease mechanism: loss of function.
Hereditary cancer-predisposing syndrome. Also called: Neoplastic Syndromes, Hereditary; Tumor predisposition; Hereditary Cancer Syndrome; Hereditary neoplastic syndrome. Identifiers: Orphanet 140162, MedGen C0027672, MeSH D009386, MONDO:0015356.
Breast-ovarian cancer, familial, susceptibility to, 1 (BROVCA1). Also called: BRCA1 Hereditary Breast and Ovarian Cancer; OVARIAN CANCER, SUSCEPTIBILITY TO. Identifiers: Orphanet 145, MedGen C2676676, MONDO:0011450, OMIM 604370. Disease mechanism: loss of function.

Submissions (4):

Myriad Genetics, Inc.
Classification: Likely pathogenic for Breast-ovarian cancer, familial, susceptibility to, 1. Last evaluated: 2024-03-29. Review status: criteria provided, single submitter. Criteria: Myriad Autosomal Dominant, Autosomal Recessive and X-Linked Classification Criteria (2023). Collection method: clinical testing. Allele origin: unknown.
Comment: This variant is considered likely pathogenic. Functional studies indicate this variant impacts protein function [PMID: 30209399]. This variant is expected to disrupt protein structure [Myriad internal data].

Labcorp Genetics (formerly Invitae), Labcorp
Classification: Uncertain significance for Hereditary breast ovarian cancer syndrome. Last evaluated: 2023-05-04. Review status: criteria provided, single submitter. Criteria: Invitae Variant Classification Sherloc (09022015). Collection method: clinical testing. Allele origin: germline.
Comment: In summary, the available evidence is currently insufficient to determine the role of this variant in disease. Therefore, it has been classified as a Variant of Uncertain Significance. Advanced modeling performed at Invitae incorporating data from internal and/or published experimental studies (PMID: 30209399) indicates that this missense variant is expected to disrupt BRCA1 function. ClinVar contains an entry for this variant (Variation ID: 868652). This variant has not been reported in the literature in individuals affected with BRCA1-related conditions. This variant is not present in population databases (gnomAD no frequency). This sequence change replaces lysine, which is basic and polar, with isoleucine, which is neutral and non-polar, at codon 1702 of the BRCA1 protein (p.Lys1702Ile).

Ambry Genetics
Classification: Likely pathogenic for Hereditary cancer-predisposing syndrome. Last evaluated: 2019-12-12. Review status: criteria provided, single submitter. Criteria: Ambry Variant Classification Scheme 2023. Collection method: clinical testing. Allele origin: germline.
Comment: The p.K1702I variant (also known as c.5105A>T), located in coding exon 16 of the BRCA1 gene, results from an A to T substitution at nucleotide position 5105. The lysine at codon 1702 is replaced by isoleucine, an amino acid with dissimilar properties. One functional study found that this nucleotide substitution is deleterious in a high throughput genome editing haploid cell survival assay (Findlay GM et al. Nature, 2018 10;562:217-222). Based on internal structural analysis, this variant is anticipated to disrupt a region of known function (Ambry internal data; Wu Q et al. Mol Cell. 2016 Feb 4;61(3):434-448). Additionally, this variant was not reported in population-based cohorts in the Genome Aggregation Database (gnomAD) (Lek M et al. Nature, 2016 08;536:285-91).This amino acid position is highly conserved in available vertebrate species. In addition, this alteration is predicted to be deleterious by in silico analysis. Based on the majority of available evidence to date, this variant is likely to be pathogenic.

Brotman Baty Institute, University of Washington
No classification provided (evidence only). Condition: Breast-ovarian cancer, familial 1. Review status: no classification provided. Collection method: in vitro. Allele origin: not applicable. Functional consequence: functionally_abnormal. Not counted in ClinVar's aggregate classification.
ClinVar note: "not provided" was previously submitted as the classification for the variant. However, the classification appeared to be based only on an observation of functional data so it was converted to no classification on 2025-07-30.

Literature cited by the submitters: PubMed 30209399 (cited by 3 submitters).

NM_007294.4(BRCA1):c.5105A>T (p.Lys1702Ile)

Gene: BRCA1 (BRCA1 DNA repair associated; minus strand). Cytogenetic location: 17q21.31.
Variant type: single nucleotide variant.
Coding change: c.5105A>T on transcript NM_007294.4 (MANE Select); coding-DNA position 5105, A replaced by T.
Protein change: p.Lys1702Ile; replaces lysine 1702 with isoleucine.
Molecular consequence: missense variant. On other transcripts: non-coding transcript variant (1).
Genome position (GRCh38, 1-based): chr17:43,063,921, T>A on the plus strand (A>T on the coding strand, the complement: BRCA1 is on the minus strand). VCF-style: chr17-43063921-T-A. GRCh37 (hg19) VCF-style: chr17-41215938-T-A.
Other names: c.4892A>T, p.Lys1631Ile (NM_001407571.1, NM_001407894.1, NM_001407895.1 and 12 more transcripts); c.5171A>T, p.Lys1724Ile (NM_001407581.1, NM_001407582.1); c.5168A>T, p.Lys1723Ile (NM_001407583.1, NM_001407585.1, NM_001407587.1 and 1 more transcripts); c.5165A>T, p.Lys1722Ile (NM_001407590.1, NM_001407591.1); c.5105A>T, p.Lys1702Ile (NM_001407593.1, NM_001407594.1, NM_001407596.1 and 7 more transcripts); c.5102A>T, p.Lys1701Ile (NM_001407614.1, NM_001407615.1, NM_001407616.1 and 17 more transcripts); c.5099A>T, p.Lys1700Ile (NM_001407633.1, NM_001407634.1, NM_001407635.1 and 14 more transcripts); c.5024A>T, p.Lys1675Ile (NM_001407656.1, NM_001407657.1, NM_001407658.1); and 71 more; short protein forms K1702I, K1655I, K1723I, K598I, K1405I, K1574I, K1589I, K1674I.
Identifiers: ClinVar variation 868652 (VCV000868652.8), dbSNP rs2051924695, ClinGen allele CA10591318.